The following is an entry in ClinVar:

ClinVar aggregate classification (germline): Uncertain significance (1 of 4 stars; one submission).

Submission:

Labcorp Genetics (formerly Invitae), Labcorp
Classification: Uncertain significance. Last evaluated: 2021-08-12. Review status: criteria provided, single submitter. Criteria: Invitae Variant Classification Sherloc (09022015). Collection method: clinical testing. Allele origin: germline.
Comment: In summary, the available evidence is currently insufficient to determine the role of this variant in disease. Therefore, it has been classified as a Variant of Uncertain Significance. Algorithms developed to predict the effect of missense changes on protein structure and function (SIFT, PolyPhen-2, Align-GVGD) all suggest that this variant is likely to be tolerated. This variant has not been reported in the literature in individuals affected with C7-related conditions. This variant is not present in population databases (ExAC no frequency). This sequence change replaces threonine with proline at codon 256 of the C7 protein (p.Thr256Pro). The threonine residue is moderately conserved and there is a small physicochemical difference between threonine and proline.

NM_000587.4(C7):c.766A>C (p.Thr256Pro)

Gene: C7 (complement C7; plus strand). Cytogenetic location: 5p13.1.
Variant type: single nucleotide variant.
Coding change: c.766A>C on transcript NM_000587.4 (MANE Select); coding-DNA position 766, A replaced by C.
Protein change: p.Thr256Pro; replaces threonine 256 with proline.
Molecular consequence: missense variant.
Genome position (GRCh38, 1-based): chr5:40,947,629, A>C. VCF-style: chr5-40947629-A-C. GRCh37 (hg19) VCF-style: chr5-40947731-A-C.
Other names: short protein forms T256P.
Identifiers: ClinVar variation 1345626 (VCV001345626.6), dbSNP rs2111630495, ClinGen allele CA359582334.